The following is an entry in ClinVar:

ClinVar aggregate classification (germline): Uncertain significance (1 of 4 stars; one submission).

Conditions:
Autosomal recessive nonsyndromic hearing loss 21. Identifiers: Orphanet 90636, MedGen C1863655, MONDO:0011351, OMIM 603629.

Allele frequency attached by ClinVar (database versions not stated): gnomAD exomes below 0.00001; ExAC 0.00001.
gnomAD v4.1: 1 of 1,614,126 alleles (0.000062%); highest among the groups gnomAD compares: East Asian, 0.0022%; no homozygotes.

Submission:

Department of Human Genetics, Hannover Medical School
Classification: Uncertain significance for Autosomal recessive nonsyndromic hearing loss 21. Last evaluated: 2023-04-27. Review status: criteria provided, single submitter. Criteria: ACMG Guidelines, 2015. Collection method: clinical testing. Allele origin: germline. Affected: yes.
Comment: This variant is a sequence change that does not lead to amnioacid exchange (so-called samesense variant). An in silico analysis of this variation using various splicing prediction programs suggests that it may be a variant without clinical significance. In the Deafness Variation Database, the variant is also scored as a VUS, but it is not listed in the LOVD shared and ClinVar databases. The population database gnomAD reports an allele frequency of 0.0004% for the variant (gnomAD; ALL). Literature data are currently not available. A final evaluation of this variant in the TECTA gene is not possible at present on the basis of the available data.

NM_005422.4(TECTA):c.1779C>T (p.Ser593=)

Genes: TECTA (tectorin alpha; plus strand), TBCEL-TECTA (TBCEL-TECTA readthrough; plus strand). Cytogenetic location: 11q23.3.
Variant type: single nucleotide variant.
Coding change: c.1779C>T on transcript NM_005422.4 (MANE Select); coding-DNA position 1779, C replaced by T.
Protein change: p.Ser593=; no amino-acid change (serine 593 retained).
Molecular consequence: synonymous variant.
Genome position (GRCh38, 1-based): chr11:121,127,756, C>T. VCF-style: chr11-121127756-C-T. GRCh37 (hg19) VCF-style: chr11-120998465-C-T.
Other names: c.2736C>T, p.Ser912= (NM_001378761.1).
Identifiers: ClinVar variation 2499996 (VCV002499996.1), dbSNP rs745982494, ClinGen allele CA6326851.